The following is an entry in ClinVar:

NM_004172.5(SLC1A3):c.459A>T (p.Glu153Asp)

Genes: SLC1A3 (solute carrier family 1 member 3; plus strand), SLC1A3-AS1 (SLC1A3 antisense RNA 1; minus strand). Cytogenetic location: 5p13.2.
Variant type: single nucleotide variant.
Coding change: c.459A>T on transcript NM_004172.5 (MANE Select); coding-DNA position 459, A replaced by T.
Protein change: p.Glu153Asp; replaces glutamic acid 153 with aspartic acid.
Molecular consequence: missense variant.
Genome position (GRCh38, 1-based): chr5:36,671,168, A>T. VCF-style: chr5-36671168-A-T. GRCh37 (hg19) VCF-style: chr5-36671270-A-T.
Other names: c.459A>T, p.Glu153Asp (NM_001166695.3, NM_001289940.2); c.321A>T, p.Glu107Asp (NM_001289939.2); short protein forms E107D, E153D.
Identifiers: ClinVar variation 1806869 (VCV001806869.3), dbSNP rs368401930, ClinGen allele CA3235456.

ClinVar aggregate classification (germline): Uncertain significance. Review status: criteria provided, multiple submitters, no conflicts (2 of 4 stars). 2 submissions from 2 submitters: Uncertain significance (2). Last evaluated 2025-09-05.

Allele frequency attached by ClinVar (database versions not stated): ExAC 0.00002; gnomAD 0.00002; TOPMed 0.00003; gnomAD exomes 0.00007; ESP Exome Variant Server 0.00008.
gnomAD v4.1: 98 of 1,613,866 alleles (0.0061%); highest among the groups gnomAD compares: Middle Eastern, 0.016%; no homozygotes.

Submissions (2):

Labcorp Genetics (formerly Invitae), Labcorp
Classification: Uncertain significance. Last evaluated: 2025-09-05. Review status: criteria provided, single submitter. Criteria: Invitae Variant Classification Sherloc (09022015). Collection method: clinical testing. Allele origin: germline.
Comment: This sequence change replaces glutamic acid, which is acidic and polar, with aspartic acid, which is acidic and polar, at codon 153 of the SLC1A3 protein (p.Glu153Asp). This variant is present in population databases (rs368401930, gnomAD 0.003%). This variant has not been reported in the literature in individuals affected with SLC1A3-related conditions. ClinVar contains an entry for this variant (Variation ID: 1806869). Invitae Evidence Modeling of protein sequence and biophysical properties (such as structural, functional, and spatial information, amino acid conservation, physicochemical variation, residue mobility, and thermodynamic stability) indicates that this missense variant is not expected to disrupt SLC1A3 protein function with a negative predictive value of 80%. In summary, the available evidence is currently insufficient to determine the role of this variant in disease. Therefore, it has been classified as a Variant of Uncertain Significance.

Athena Diagnostics
Classification: Uncertain significance. Last evaluated: 2023-11-17. Review status: criteria provided, single submitter. Criteria: Athena Diagnostics Criteria. Collection method: clinical testing. Allele origin: unknown.
Comment: Available data are insufficient to determine the clinical significance of the variant at this time. The frequency of this variant in the general population is uninformative in assessment of its pathogenicity. Computational tools predict that this variant is not damaging.

Literature cited by the submitters: PubMed 29208948 (cited by Athena Diagnostics).